The following is an entry in ClinVar:

NM_001085411.3(NADK2):c.62C>T (p.Ala21Val)

Genes: NADK2 (NAD kinase 2, mitochondrial; minus strand), LOC129993801 (ATAC-STARR-seq lymphoblastoid silent region 15972; plus strand). Cytogenetic location: 5p13.2.
Variant type: single nucleotide variant.
Coding change: c.62C>T on transcript NM_001085411.3 (MANE Select); coding-DNA position 62, C replaced by T.
Protein change: p.Ala21Val; replaces alanine 21 with valine.
Molecular consequence: missense variant. On other transcripts: intron variant (2).
Genome position (GRCh38, 1-based): chr5:36,241,737, G>A on the plus strand (C>T on the coding strand, the complement: NADK2 is on the minus strand). VCF-style: chr5-36241737-G-A. GRCh37 (hg19) VCF-style: chr5-36241839-G-A.
Other names: c.-190+359C>T (NM_153013.5, NM_001287341.2); short protein forms A21V.
Identifiers: ClinVar variation 2915781 (VCV002915781.3), dbSNP rs1380199430, ClinGen allele CA359448075.

ClinVar aggregate classification (germline): Uncertain significance (1 of 4 stars; one submission).

Conditions:
Progressive encephalopathy with leukodystrophy due to DECR deficiency. Identifiers: Orphanet 431361, MedGen C1857252, MONDO:0014464, OMIM 616034.

Allele frequency attached by ClinVar (database versions not stated): TOPMed 0.00001.

Submission:

Labcorp Genetics (formerly Invitae), Labcorp
Classification: Uncertain significance for Progressive encephalopathy with leukodystrophy due to DECR deficiency. Last evaluated: 2023-03-04. Review status: criteria provided, single submitter. Criteria: Invitae Variant Classification Sherloc (09022015). Collection method: clinical testing. Allele origin: germline.
Comment: In summary, the available evidence is currently insufficient to determine the role of this variant in disease. Therefore, it has been classified as a Variant of Uncertain Significance. An algorithm developed to predict the effect of missense changes on protein structure and function (PolyPhen-2) suggests that this variant is likely to be disruptive. This variant has not been reported in the literature in individuals affected with NADK2-related conditions. This variant is not present in population databases (gnomAD no frequency). This sequence change replaces alanine, which is neutral and non-polar, with valine, which is neutral and non-polar, at codon 21 of the NADK2 protein (p.Ala21Val).